The following is an entry in ClinVar:

ClinVar aggregate classification (germline): Uncertain significance (1 of 4 stars; one submission).

Conditions:
Inborn genetic diseases. Identifiers: MedGen C0950123, MeSH D030342.

Submission:

Ambry Genetics
Classification: Uncertain significance for Inborn genetic diseases. Last evaluated: 2026-04-16. Review status: criteria provided, single submitter. Criteria: Ambry Variant Classification Scheme 2023. Collection method: clinical testing. Allele origin: germline.
Comment: The p.S607P variant (also known as c.1819T>C), located in coding exon 1 of the SAMD9 gene, results from a T to C substitution at nucleotide position 1819. The serine at codon 607 is replaced by proline, an amino acid with similar properties. This amino acid position is conserved. In addition, this alteration is predicted to be tolerated by in silico analysis. Based on the available evidence, the clinical significance of this variant remains unclear.

NM_017654.4(SAMD9):c.1819T>C (p.Ser607Pro)

Gene: SAMD9 (sterile alpha motif domain containing 9; minus strand). Cytogenetic location: 7q21.2.
Variant type: single nucleotide variant.
Coding change: c.1819T>C on transcript NM_017654.4 (MANE Select); coding-DNA position 1819, T replaced by C.
Protein change: p.Ser607Pro; replaces serine 607 with proline.
Molecular consequence: missense variant.
Genome position (GRCh38, 1-based): chr7:93,104,279, A>G on the plus strand (T>C on the coding strand, the complement: SAMD9 is on the minus strand). VCF-style: chr7-93104279-A-G. GRCh37 (hg19) VCF-style: chr7-92733592-A-G.
Other names: c.1819T>C, p.Ser607Pro (NM_001193307.2); short protein forms S607P.
Identifiers: ClinVar variation 4863815 (VCV004863815.1).